The following is an entry in ClinVar:

ClinVar aggregate classification (germline): Uncertain significance. Review status: criteria provided, multiple submitters, no conflicts (2 of 4 stars). 2 submissions from 2 submitters: Uncertain significance (2). Last evaluated 2024-12-03.

Conditions:
Baller-Gerold syndrome (BGS). Also called: CRANIOSYNOSTOSIS WITH RADIAL DEFECTS. Identifiers: Orphanet 1225, MedGen C0265308, MONDO:0009039, OMIM 218600.
Inborn genetic diseases. Identifiers: MedGen C0950123, MeSH D030342.

gnomAD v4.1: 1 of 1,608,966 alleles (0.000062%); highest among the groups gnomAD compares: Admixed American, 0.0017%; no homozygotes.

Submissions (2):

Ambry Genetics
Classification: Uncertain significance for Inborn genetic diseases. Last evaluated: 2024-12-03. Review status: criteria provided, single submitter. Criteria: Ambry Variant Classification Scheme 2023. Collection method: clinical testing. Allele origin: germline.
Comment: The p.P210L variant (also known as c.629C>T), located in coding exon 5 of the RECQL4 gene, results from a C to T substitution at nucleotide position 629. The proline at codon 210 is replaced by leucine, an amino acid with similar properties. This amino acid position is conserved. In addition, this alteration is predicted to be tolerated by in silico analysis. Based on the available evidence, the clinical significance of this variant remains unclear.

Labcorp Genetics (formerly Invitae), Labcorp
Classification: Uncertain significance for Baller-Gerold syndrome. Last evaluated: 2023-05-20. Review status: criteria provided, single submitter. Criteria: Invitae Variant Classification Sherloc (09022015). Collection method: clinical testing. Allele origin: germline.
Comment: This variant is present in population databases (rs746917248, gnomAD 0.003%). This variant has not been reported in the literature in individuals affected with RECQL4-related conditions. Advanced modeling of protein sequence and biophysical properties (such as structural, functional, and spatial information, amino acid conservation, physicochemical variation, residue mobility, and thermodynamic stability) performed at Invitae indicates that this missense variant is not expected to disrupt RECQL4 protein function. This sequence change replaces proline, which is neutral and non-polar, with leucine, which is neutral and non-polar, at codon 210 of the RECQL4 protein (p.Pro210Leu). In summary, the available evidence is currently insufficient to determine the role of this variant in disease. Therefore, it has been classified as a Variant of Uncertain Significance.

NM_004260.4(RECQL4):c.629C>T (p.Pro210Leu)

Gene: RECQL4 (RecQ like helicase 4; minus strand). Cytogenetic location: 8q24.3.
Variant type: single nucleotide variant.
Coding change: c.629C>T on transcript NM_004260.4 (MANE Select); coding-DNA position 629, C replaced by T.
Protein change: p.Pro210Leu; replaces proline 210 with leucine.
Molecular consequence: missense variant. On other transcripts: 5 prime UTR variant (15), non-coding transcript variant (3), intron variant (3).
Genome position (GRCh38, 1-based): chr8:144,516,490, G>A on the plus strand (C>T on the coding strand, the complement: RECQL4 is on the minus strand). VCF-style: chr8-144516490-G-A. GRCh37 (hg19) VCF-style: chr8-145741874-G-A.
Other names: c.629C>T (NM_004260.3); c.629C>T, p.Pro210Leu (NM_001413017.1, NM_001413018.1, NM_001413036.1 and 4 more transcripts); c.-443C>T (NM_001413035.1, NM_001413037.1, NM_001413038.1 and 5 more transcripts); c.-505C>T (NM_001413041.1, NM_001413027.1, NM_001413030.1 and 2 more transcripts); c.-712C>T (NM_001413043.1); c.355-77C>T (NM_001413029.1); c.-366-77C>T (NM_001413021.1, NM_001413028.1); c.500C>T, p.Pro167Leu (NM_001413025.1); and 1 more; short protein forms P210L, P167L.
Identifiers: ClinVar variation 2776325 (VCV002776325.4), dbSNP rs746917248, ClinGen allele CA4949232.